The following is an entry in ClinVar:

NM_000038.6(APC):c.688C>T (p.Arg230Cys)

Gene: APC (APC regulator of Wnt signaling pathway; plus strand). Cytogenetic location: 5q22.2.
Variant type: single nucleotide variant.
Coding change: c.688C>T on transcript NM_000038.6 (MANE Select); coding-DNA position 688, C replaced by T.
Protein change: p.Arg230Cys; replaces arginine 230 with cysteine.
Molecular consequence: missense variant. On other transcripts: 5 prime UTR variant (1), intron variant (2).
Genome position (GRCh38, 1-based): chr5:112,792,488, C>T. VCF-style: chr5-112792488-C-T. GRCh37 (hg19) VCF-style: chr5-112128185-C-T.
Other names: p.R230C:CGT>TGT; c.688C>T, p.Arg230Cys (NM_001127510.3, NM_001354895.2, NM_001354896.2 and 1 more transcripts); c.718C>T, p.Arg240Cys (NM_001354897.2, NM_001354902.2); c.613C>T, p.Arg205Cys (NM_001354898.2, NM_001354904.2); c.511C>T, p.Arg171Cys (NM_001354900.2, NM_001354901.2, NM_001354905.2); c.-348C>T (NM_001354906.2); c.676-8791C>T (NM_001127511.3); c.646-8791C>T (NM_001354899.2); short protein forms R230C, R240C, R205C, R171C.
Identifiers: ClinVar variation 127316 (VCV000127316.91), dbSNP rs587779805, ClinGen allele CA012615.
Genomic context (GRCh38, chr5:112,792,488, plus strand): 5'-TTTCTTGTTTTATTTTAGCGAAGAATAGCCAGAATTCAGCAAATCGAAAAGGACATACTT[C>T]GTATACGACAGCTTTTACAGTCCCAAGCAACAGAAGCAGAGGTTAGTAAATTGCCTTTCT-3'
Protein context (NP_000029.2, residues 220-240): RIQQIEKDIL[Arg230Cys]IRQLLQSQAT

ClinVar aggregate classification (germline): Conflicting classifications of pathogenicity. Review status: criteria provided, conflicting classifications (1 of 4 stars). 10 submissions from 10 submitters: Uncertain significance (9); Likely benign (1). Last evaluated 2025-06-24.

Conditions:
Classic or attenuated familial adenomatous polyposis. Identifiers: MedGen CN372698, MONDO:0021057.
Hereditary cancer-predisposing syndrome. Also called: Tumor predisposition; Hereditary neoplastic syndrome; Neoplastic Syndromes, Hereditary; Hereditary Cancer Syndrome. Identifiers: Orphanet 140162, MedGen C0027672, MeSH D009386, MONDO:0015356.
Familial adenomatous polyposis 1 (FAP1). Also called: FAMILIAL ADENOMATOUS POLYPOSIS 1, ATTENUATED; POLYPOSIS, ADENOMATOUS INTESTINAL. Identifiers: MedGen C2713442, MONDO:0021056, OMIM 175100. Disease mechanism: loss of function.

Allele frequency attached by ClinVar (database versions not stated): ExAC 0.00001; gnomAD 0.00001; gnomAD exomes 0.00001.

Submissions (10):

Ambry Genetics
Classification: Likely benign for Hereditary cancer-predisposing syndrome. Last evaluated: 2025-06-24. Review status: criteria provided, single submitter. Criteria: Ambry Variant Classification Scheme 2023. Collection method: clinical testing. Allele origin: germline.

Labcorp Genetics (formerly Invitae), Labcorp
Classification: Uncertain significance for Familial adenomatous polyposis 1. Last evaluated: 2025-01-14. Review status: criteria provided, single submitter. Criteria: Invitae Variant Classification Sherloc (09022015). Collection method: clinical testing. Allele origin: germline.
Comment: This sequence change replaces arginine, which is basic and polar, with cysteine, which is neutral and slightly polar, at codon 230 of the APC protein (p.Arg230Cys). This variant is present in population databases (rs587779805, gnomAD 0.008%). This variant has not been reported in the literature in individuals affected with APC-related conditions. ClinVar contains an entry for this variant (Variation ID: 127316). Invitae Evidence Modeling of protein sequence and biophysical properties (such as structural, functional, and spatial information, amino acid conservation, physicochemical variation, residue mobility, and thermodynamic stability) indicates that this missense variant is not expected to disrupt APC protein function with a negative predictive value of 95%. In summary, the available evidence is currently insufficient to determine the role of this variant in disease. Therefore, it has been classified as a Variant of Uncertain Significance.

GeneDx
Classification: Uncertain significance. Last evaluated: 2024-05-03. Review status: criteria provided, single submitter. Criteria: GeneDx Variant Classification Process June 2021. Collection method: clinical testing. Allele origin: germline. Affected: yes.
Comment: Not observed at significant frequency in large population cohorts (gnomAD); In silico analysis indicates that this missense variant does not alter protein structure/function; This variant is associated with the following publications: (PMID: 22185227, 22842228, 27149842, 34326862, 38136308)

Baylor Genetics
Classification: Uncertain significance for Familial adenomatous polyposis 1. Last evaluated: 2024-03-14. Review status: criteria provided, single submitter. Criteria: ACMG Guidelines, 2015. Collection method: clinical testing. Allele origin: unknown.

Color Diagnostics, LLC DBA Color Health
Classification: Uncertain significance for Hereditary cancer-predisposing syndrome. Last evaluated: 2023-03-06. Review status: criteria provided, single submitter. Criteria: ACMG Guidelines, 2015. Collection method: clinical testing. Allele origin: germline.
Comment: This missense variant replaces arginine with cysteine at codon 230 of the APC protein. Computational prediction suggests that this variant may have deleterious impact on protein structure and function (internally defined REVEL score threshold >= 0.7, PMID: 27666373). To our knowledge, functional studies have not been reported for this variant. This variant has not been reported in individuals affected with APC-related disorders in the literature. This variant has been identified in 4/282510 chromosomes in the general population by the Genome Aggregation Database (gnomAD). The available evidence is insufficient to determine the role of this variant in disease conclusively. Therefore, this variant is classified as a Variant of Uncertain Significance.

CeGaT Center for Human Genetics Tuebingen
Classification: Uncertain significance. Last evaluated: 2023-01-01. Review status: criteria provided, single submitter. Criteria: CeGaT Center For Human Genetics Tuebingen Variant Classification Criteria Version 2. Collection method: clinical testing. Allele origin: germline. Affected: yes. Observed: 1 variant allele.
Comment: APC: PM2:Supporting

Department of Pathology and Laboratory Medicine, Sinai Health System
Classification: Uncertain significance for classic or attenuated familial adenomatous polyposis. Last evaluated: 2020-11-17. Review status: criteria provided, single submitter. Criteria: ACMG Guidelines, 2015. Collection method: clinical testing. Allele origin: germline. Affected: yes.

Blueprint Genetics
Classification: Uncertain significance. Last evaluated: 2020-01-24. Review status: criteria provided, single submitter. Criteria: ACMG Guidelines, 2015. Collection method: clinical testing. Allele origin: germline.

Women's Health and Genetics/Laboratory Corporation of America, LabCorp
Classification: Uncertain significance. Last evaluated: 2018-07-09. Review status: criteria provided, single submitter. Criteria: LabCorp Variant Classification Summary - May 2015. Collection method: clinical testing. Allele origin: germline.
Comment: Variant summary: APC c.688C>T (p.Arg230Cys) results in a non-conservative amino acid change located in the RecF/RecN/SMC N terminal domain of the encoded protein sequence. Five of five in-silico tools predict a damaging effect of the variant on protein function. The variant allele was found at a frequency of 1.4e-05 in 276902 control chromosomes. The available data on variant occurrences in the general population are insufficient to allow any conclusion about variant significance. The c.688C>T has been reported in the literature as a confirmed somatic event in a different solid tumor samples Giannakis_2016, Harismendy_2011, pickering_2014). These report(s) do not provide unequivocal conclusions about association of the variant with Familial Adenomatous Polyposis. To our knowledge, no experimental evidence demonstrating an impact on protein function has been reported. Four clinical diagnostic laboratories have submitted clinical-significance assessments for this variant to ClinVar after 2014 without evidence for independent evaluation. All laboratories classified the variant as uncertain significance. Based on the evidence outlined above, the variant was classified as uncertain significance.

Quest Diagnostics Nichols Institute San Juan Capistrano
Classification: Uncertain significance. Last evaluated: 2018-03-27. Review status: criteria provided, single submitter. Criteria: Quest Diagnostics criteria. Collection method: clinical testing. Allele origin: unknown.

Literature cited by the submitters: PubMed 27760322 (cited by Department of Pathology and Laboratory Medicine, Sinai Health System and Women's Health and Genetics/Laboratory Corporation of America, LabCorp).